The following is an entry in ClinVar:

NC_000001.10:g.(?_216246211)_(216270575_?)del

Gene: USH2A (usherin; minus strand). Cytogenetic location: 1q41.
Variant type: Deletion.
Identifiers: ClinVar variation 3248054 (VCV003248054.1).

ClinVar aggregate classification (germline): Pathogenic (1 of 4 stars; one submission).

Submission:

Labcorp Genetics (formerly Invitae), Labcorp
Classification: Pathogenic. Last evaluated: 2022-11-11. Review status: criteria provided, single submitter. Criteria: Invitae Variant Classification Sherloc (09022015). Collection method: clinical testing. Allele origin: unknown.
Comment: For these reasons, this variant has been classified as Pathogenic. A similar copy number variant has been observed in individual(s) with retinitis pigmentosa (PMID: 25352746). In at least one individual the data is consistent with being in trans (on the opposite chromosome) from a pathogenic variant. It has also been observed to segregate with disease in related individuals. This variant is a gross deletion of the genomic region encompassing exon(s) 22-29 of the USH2A gene. This variant would be expected to be in-frame, preserving the integrity of the reading frame.

Literature cited by the submitters: PubMed 25352746.